The following is an entry in ClinVar:

NM_133259.4(LRPPRC):c.2651A>T (p.Glu884Val)

Gene: LRPPRC (leucine rich pentatricopeptide repeat containing; minus strand). Cytogenetic location: 2p21.
Variant type: single nucleotide variant.
Coding change: c.2651A>T on transcript NM_133259.4 (MANE Select); coding-DNA position 2651, A replaced by T.
Protein change: p.Glu884Val; replaces glutamic acid 884 with valine.
Molecular consequence: missense variant.
Genome position (GRCh38, 1-based): chr2:43,934,275, T>A on the plus strand (A>T on the coding strand, the complement: LRPPRC is on the minus strand). VCF-style: chr2-43934275-T-A. GRCh37 (hg19) VCF-style: chr2-44161414-T-A.
Other names: short protein forms E884V.
Identifiers: ClinVar variation 2581759 (VCV002581759.1), dbSNP rs750015497, ClinGen allele CA1638363.
Genomic context (GRCh38, chr2:43,934,275, plus strand): 5'-TAATTTCCTGTTTGTAGGAAGGCAAAGAAGAGATCATAGAGCATCACCATTTCACCTTGT[T>A]CTTGGCTCACAAAGTCCATTGCTAGGTAGGAGAGAAAAAAATATATATATTAGGAGAAAA-3'
Protein context (NP_573566.2, residues 874-894): IQKAMDFVSQ[Glu884Val]QGEMVMLYDL

ClinVar aggregate classification (germline): Uncertain significance (1 of 4 stars; one submission).

Allele frequency attached by ClinVar (database versions not stated): gnomAD exomes below 0.00001; ExAC 0.00001.
gnomAD v4.1: 1 of 1,607,382 alleles (0.000062%); highest among the groups gnomAD compares: Non-Finnish European, 0.000085%; no homozygotes.

Submission:

GeneDx
Classification: Uncertain significance. Last evaluated: 2023-09-13. Review status: criteria provided, single submitter. Criteria: GeneDx Variant Classification Process June 2021. Collection method: clinical testing. Allele origin: germline. Affected: yes.
Comment: Not observed at significant frequency in large population cohorts (gnomAD); In silico analysis supports that this missense variant does not alter protein structure/function; Has not been previously published as pathogenic or benign to our knowledge